The following is an entry in ClinVar:

ClinVar aggregate classification (germline): Uncertain significance (1 of 4 stars; one submission).

Conditions:
Arrhythmogenic right ventricular dysplasia 13. Also called: ARRHYTHMOGENIC RIGHT VENTRICULAR CARDIOMYOPATHY 13; Arrhythmogenic right ventricular dysplasia, familial, 13. Identifiers: MedGen C3810138, MONDO:0000908, OMIM 615616.

gnomAD v4.1: 3 of 1,613,658 alleles (0.00019%); highest among the groups gnomAD compares: Admixed American, 0.005%; no homozygotes.

Submission:

Labcorp Genetics (formerly Invitae), Labcorp
Classification: Uncertain significance for Arrhythmogenic right ventricular dysplasia 13. Last evaluated: 2024-05-22. Review status: criteria provided, single submitter. Criteria: Invitae Variant Classification Sherloc (09022015). Collection method: clinical testing. Allele origin: germline.
Comment: This sequence change replaces valine, which is neutral and non-polar, with leucine, which is neutral and non-polar, at codon 426 of the CTNNA3 protein (p.Val426Leu). This variant is present in population databases (rs576608598, gnomAD 0.003%). This variant has not been reported in the literature in individuals affected with CTNNA3-related conditions. Advanced modeling of protein sequence and biophysical properties (such as structural, functional, and spatial information, amino acid conservation, physicochemical variation, residue mobility, and thermodynamic stability) performed at Invitae indicates that this missense variant is not expected to disrupt CTNNA3 protein function with a negative predictive value of 80%. In summary, the available evidence is currently insufficient to determine the role of this variant in disease. Therefore, it has been classified as a Variant of Uncertain Significance.

NM_013266.4(CTNNA3):c.1276G>C (p.Val426Leu)

Gene: CTNNA3 (catenin alpha 3; minus strand). Cytogenetic location: 10q21.3.
Variant type: single nucleotide variant.
Coding change: c.1276G>C on transcript NM_013266.4 (MANE Select); coding-DNA position 1276, G replaced by C.
Protein change: p.Val426Leu; replaces valine 426 with leucine.
Molecular consequence: missense variant.
Genome position (GRCh38, 1-based): chr10:66,766,269, C>G on the plus strand (G>C on the coding strand, the complement: CTNNA3 is on the minus strand). VCF-style: chr10-66766269-C-G. GRCh37 (hg19) VCF-style: chr10-68526027-C-G.
Other names: c.1276G>C, p.Val426Leu (NM_001127384.3); short protein forms V426L.
Identifiers: ClinVar variation 3627046 (VCV003627046.2).
Genomic context (GRCh38, chr10:66,766,269, plus strand): 5'-GAATGGGAGCCTCATTCTCCTGGACTTTAGTGAGTTACAGTTCTAGCATGCTTACCTCTA[C>G]AAGCCTGCTGGTGTGTTCATGAAATATCGCAGCATATTCTTTTATTTCCTTTTCCCGGCC-3'
Protein context (NP_037398.2, residues 416-436): AIFHEHTSRL[Val426Leu]EVANLACSMS